The following continues an entry in ClinVar:

NM_002693.3(POLG):c.1399G>A (p.Ala467Thr)

Gene: POLG. ClinVar aggregate classification (germline): Pathogenic/Likely pathogenic. Pathogenic (47); Likely pathogenic (1).

Submissions 21 to 31 of 62:

Rady Children's Institute for Genomic Medicine, Rady Children's Hospital San Diego
Classification: Pathogenic for POLG-related disorders. Last evaluated: 2023-12-06. Review status: criteria provided, single submitter. Criteria: ACMG Guidelines, 2015. Collection method: clinical testing. Allele origin: germline. Affected: yes.
Comment: The c.1399G>A (p.Ala467Thr) variant affects a highly conserved amino acid; however, in silico tools used to predict the effect of this variant on protein function yield discordant results. This variant has been previously reported as a homozygous or compound heterozygous change in multiple individuals with autosomal recessive POLG-related disorders (PMID: 11431686, 26735972, 15122711, 25286830, 20691285, 15917273). This is the most common POLG variant associated with the Alpers-Huttenlocher syndrome phenotype of POLG-related disorders (PMID: 20301791). Functional characterization indicates that the c.1399G>A (p.Ala467Thr) variant, which is located near the exonuclease domain in the early linker region of the protein, severely reduces DNA polymerase gamma activity (down to 4% of wild type activity) by compromising the catalytic efficiency of the POLG protein (PMID: 16024923, 15917273). In addition, this variant fails to associate with the POLG2 accessory subunit, which leads to stalling at the replication fork and depletion of mtDNA over time (PMID: 16024923, 27987238, 16368709). The c.1399G>A (p.Ala467Thr) variant is present in the heterozygous state in the gnomAD population database at a frequency of 0.05% (143/282888), and is absent in the homozygous state, thus is presumed to be rare. Based on the available evidence, the c.1399G>A (p.Ala467Thr) variant is classified as Pathogenic.

Institute of Human Genetics Munich, TUM University Hospital
Classification: Pathogenic for Sensory ataxic neuropathy, dysarthria, and ophthalmoparesis. Last evaluated: 2023-12-04. Review status: criteria provided, single submitter. Criteria: Classification criteria August 2017. Collection method: clinical testing. Allele origin: germline. Inheritance: Autosomal recessive inheritance. Affected: yes. Observed: 1 variant allele.

ARUP Laboratories, Molecular Genetics and Genomics, ARUP Laboratories
Classification: Pathogenic. Last evaluated: 2023-11-03. Review status: criteria provided, single submitter. Criteria: ARUP Molecular Germline Variant Investigation Process 2024. Collection method: clinical testing. Allele origin: germline.
Comment: The POLG c.1399G>A; p.Ala467Thr variant (rs113994095) is reported in association with recessive forms of disease. This variant is one of the most common pathogenic variants in POLG (Cohen 2018) and is reported in the literature in the homozygous or compound heterozygous state in numerous individuals affected with POLG-related disorders (Horvath 2006, Luoma 2005, Tzoulis 2006, Van Goethem 2001). This variant is also reported as pathogenic in ClinVar (Variation ID: 13496) and is found in the general population with an overall allele frequency of 0.05% (143/282,888 alleles) in the Genome Aggregation Database (v2.1.1). Computational analyses predict that this variant is deleterious (REVEL: 0.884). Functional studies of the variant protein suggest it has reduced affinity for DNA and has significantly decreased polymerase activity compared to wildtype POLG (Chan 2005, Luoma 2006). Based on available information, this variant is considered to be pathogenic. References: Chan SS et al. The common A467T mutation in the human mitochondrial DNA polymerase (POLG) compromises catalytic efficiency and interaction with the accessory subunit. J Biol Chem. 2005 Sep 9;280(36):31341-6. PMID: 16024923. Cohen BH et al. POLG-Related Disorders. GeneReviews. 2018. PMID: 20301791. Horvath R et al. Phenotypic spectrum associated with mutations of the mitochondrial polymerase gamma gene. Brain. 2006 Jul;129(Pt 7):1674-84. PMID: 16621917. Luoma PT et al. Functional defects due to spacer-region mutations of human mitochondrial DNA polymerase in a family with an ataxia-myopathy syndrome. Hum Mol Genet. 2005 Jul 15;14(14):1907-20. PMID: 15917273. Tzoulis C et al. The spectrum of clinical disease caused by the A467T and W748S POLG mutations: a study of 26 cases. Brain. 2006 Jul;129(Pt 7):1685-92. PMID: 16638794. Van Goethem G et al. Mutation of POLG is associated with progressive external ophthalmoplegia characterized by mtDNA deletions. Nat Genet. 2001 Jul;28(3):211-2. PMID: 11431686.

Revvity Omics, Revvity
Classification: Pathogenic. Last evaluated: 2023-07-17. Review status: criteria provided, single submitter. Criteria: ACMG Guidelines, 2015. Collection method: clinical testing. Allele origin: germline.

Molecular Genetics, Royal Melbourne Hospital
Classification: Pathogenic for Progressive external ophthalmoplegia with mitochondrial DNA deletions, autosomal recessive 1. Last evaluated: 2023-03-30. Review status: criteria provided, single submitter. Criteria: ACMG Guidelines, 2015. Collection method: clinical testing. Allele origin: germline. Affected: yes.
Comment: This sequence change is predicted to replace alanine with threonine at codon 467 of the POLG protein (p.Ala467Thr). The alanine residue is highly conserved (100 vertebrates, UCSC), and is located in a helix within the linker region. There is a small physicochemical difference between alanine and threonine. The variant is present in a large population cohort at a frequency of 0.051%] (rs113994095, 143/282,888 alleles, 0 homozygotes in gnomAD v2.1). The variant is the most commonly reported POLG variant. It has been identified in the homozygous state and compound heterozygous with a second pathogenic allele in various POLG-related disorders, and segregates with disease in multiple families (PMID: 11431686, 15122711, 15917273, 21880868 - PM3_VeryStrong, PP1_Moderate). In vitro assays show reduced enzyme activity and DNA binding for the variant (PMID: 15917273, 16024923 - PS3_Supporting). Multiple lines of computational evidence predict a deleterious effect for the missense substitution (6/7 algorithms - PP3). Based on the classification scheme RMH ACMG Guidelines v1.2.1, this variant is classified as PATHOGENIC. Following criteria are met: PM3_VeryStrong, PP1_Moderate, PS3_Supporting, PP3.

Genetics and Molecular Pathology, SA Pathology
Classification: Pathogenic for Progressive external ophthalmoplegia with mitochondrial DNA deletions, autosomal recessive 1. Last evaluated: 2022-12-13. Review status: criteria provided, single submitter. Criteria: ACMG Guidelines, 2015. Collection method: clinical testing. Allele origin: germline. Inheritance: Autosomal recessive inheritance. Affected: yes.
Comment: The POLG gene encodes the alpha subunit of polymerase gamma, a mitochondrial DNA polymerase. Pathogenic variants in POLG have been assocaited with Mitochondrial DNA depletion syndrome types 4A and 4B as well as autosomal dominant and recessive forms of Progressive external ophthalmoplegia (OMIM 174763). Variant Interpretation The POLG c.1399G>A missense variant is classified as PATHOGENIC (PS4, PM3, PS3, PP3) The POLG c.1399G>A missense variant is a single nucleotide change in exon 7 of the POLG gene, which is predicted to change the amino acid alanine at position 467 in the protein to threonine. This recurrent variant has been reported in both homozgous and compound heterozygous state in multiple patients with autosomal recessive progressive external ophthalmoplegia 1 (PMID: 11431686, 15824347) (PS4, PM3). Functional studies have demonstrated a significant reduction (96%) in gamma DNA polymerase enzyme activity in mutant cells compared with wild-type (PMID: 16024923) (PS3). This variant has been reported in dbSNP (rs113994095) and has been reported in population databases (gnomAD allele frequency = 0.048%, 143 het and 0 hom in 282888 sequenced alleles). this variant has been reported in ClinVar as pathogenic by multiple diagnostic laboratories (Variation ID: 13496). It has been reported as damaging for Progressive external ophthalmoplegia in the HGMD disease database (CM30938). Computational predictions support a deleterious effect on the gene or gene product (PP3).

Women's Health and Genetics/Laboratory Corporation of America, LabCorp
Classification: Pathogenic for POLG-related disorder. Last evaluated: 2022-12-06. Review status: criteria provided, single submitter. Criteria: LabCorp Variant Classification Summary - May 2015. Collection method: clinical testing. Allele origin: germline.
Comment: Variant summary: POLG c.1399G>A (p.Ala467Thr) results in a non-conservative amino acid change in the encoded protein sequence. Four of five in-silico tools predict a damaging effect of the variant on protein function. The variant allele was found at a frequency of 0.00051 in 251484 control chromosomes (gnomAD). c.1399G>A has been reported in the literature as a biallelic genotype in multiple individuals affected with POLG-Related Spectrum Disorders (e.g. Van Goethem_2003, Luoma_2005, Winterthun_2005, Kollberg_2006). These data indicate that the variant is very likely to be associated with disease. Functional analysis using purified recombinant protein showed the variant had reduced binding affinity to DNA and reduced DNA synthesis activity (14% and 18% of controls, respectively. Luoma_2005). Twenty-five ClinVar submitters have assessed the variant since 2014: all classified the variant as pathogenic. Based on the evidence outlined above, the variant was classified as pathogenic.

MGZ Medical Genetics Center
Classification: Pathogenic for Progressive sclerosing poliodystrophy. Last evaluated: 2022-08-29. Review status: criteria provided, single submitter. Criteria: ACMG Guidelines, 2015. Collection method: clinical testing. Allele origin: germline. Affected: yes. Observed: 7 variant alleles.
Comment: ACMG criteria applied: PS3, PM3_STR, PS4_MOD, PM2_SUP, PP3, PP4

Laboratorio de Genetica e Diagnostico Molecular, Hospital Israelita Albert Einstein
Classification: Pathogenic for Sensory ataxic neuropathy, dysarthria, and ophthalmoparesis. Last evaluated: 2022-08-04. Review status: criteria provided, single submitter. Criteria: ACMG Guidelines, 2015. Collection method: clinical testing. Allele origin: germline. Affected: yes. Observed: 1 variant allele.
Comment: ACMG classification criteria: PS4 strong, PM3 very strong, PP1 strong, PP3 supporting, PP4

AiLife Diagnostics
Classification: Pathogenic. Last evaluated: 2022-03-17. Review status: criteria provided, single submitter. Criteria: ACMG Guidelines, 2015. Collection method: clinical testing. Allele origin: germline. Affected: yes. Observed: 2 variant alleles.

Greenwood Genetic Center Diagnostic Laboratories, Greenwood Genetic Center
Classification: Pathogenic for Progressive sclerosing poliodystrophy; Mitochondrial DNA depletion syndrome 4b; Sensory ataxic neuropathy, dysarthria, and ophthalmoparesis; Progressive external ophthalmoplegia with mitochondrial DNA deletions, autosomal recessive 1. Last evaluated: 2021-08-23. Review status: criteria provided, single submitter. Criteria: ACMG Guidelines, 2015. Collection method: clinical testing. Allele origin: germline. Affected: yes.
Comment: PS3, PS4, PM1, PM3, PP3